The following is an entry in ClinVar:

ClinVar aggregate classification (germline): Conflicting classifications of pathogenicity. Review status: criteria provided, conflicting classifications (1 of 4 stars). 2 submissions from 2 submitters: Uncertain significance (1); Likely benign (1). Last evaluated 2025-08-14.

Allele frequency attached by ClinVar (database versions not stated): ExAC 0.00030; gnomAD exomes 0.00046; 1000 Genomes Project 0.00339; gnomAD 0.00403; 1000 Genomes Project 30x 0.00656.

Submissions (2):

Ambry Genetics
Classification: Uncertain significance. Last evaluated: 2025-08-14. Review status: criteria provided, single submitter. Criteria: Ambry Variant Classification Scheme 2023. Collection method: clinical testing. Allele origin: germline.

CeGaT Center for Human Genetics Tuebingen
Classification: Likely benign. Last evaluated: 2023-09-01. Review status: criteria provided, single submitter. Criteria: CeGaT Center For Human Genetics Tuebingen Variant Classification Criteria Version 2. Collection method: clinical testing. Allele origin: germline. Affected: yes. Observed: 1 variant allele.
Comment: OR2T8: PP2, BP4, BS2

NM_001005522.2(OR2T8):c.91A>G (p.Ser31Gly)

Gene: OR2T8 (olfactory receptor family 2 subfamily T member 8; plus strand). Cytogenetic location: 1q44.
Variant type: single nucleotide variant.
Coding change: c.91A>G on transcript NM_001005522.2 (MANE Select); coding-DNA position 91, A replaced by G.
Protein change: p.Ser31Gly; replaces serine 31 with glycine.
Molecular consequence: missense variant.
Genome position (GRCh38, 1-based): chr1:247,921,108, A>G. VCF-style: chr1-247921108-A-G. GRCh37 (hg19) VCF-style: chr1-248084410-A-G.
Other names: c.91A>G (NM_001005522.1); short protein forms S31G.
Identifiers: ClinVar variation 2640246 (VCV002640246.25), dbSNP rs145675923, ClinGen allele CA1498768.